The following is an entry in ClinVar:

NM_152703.5(SAMD9L):c.3825G>A (p.Met1275Ile)

Gene: SAMD9L (sterile alpha motif domain containing 9 like; minus strand). Cytogenetic location: 7q21.2.
Variant type: single nucleotide variant.
Coding change: c.3825G>A on transcript NM_152703.5 (MANE Select); coding-DNA position 3825, G replaced by A.
Protein change: p.Met1275Ile; replaces methionine 1275 with isoleucine.
Molecular consequence: missense variant.
Genome position (GRCh38, 1-based): chr7:93,132,147, C>T on the plus strand (G>A on the coding strand, the complement: SAMD9L is on the minus strand). VCF-style: chr7-93132147-C-T. GRCh37 (hg19) VCF-style: chr7-92761460-C-T.
Other names: c.3825G>A, p.Met1275Ile (NM_001303496.3, NM_001303497.3, NM_001303498.3 and 5 more transcripts); short protein forms M1275I.
Identifiers: ClinVar variation 4630157 (VCV004630157.1).

ClinVar aggregate classification (germline): Uncertain significance (1 of 4 stars; one submission).

Conditions:
Inborn genetic diseases. Identifiers: MedGen C0950123, MeSH D030342.

Submission:

Ambry Genetics
Classification: Uncertain significance for Inborn genetic diseases. Last evaluated: 2025-12-05. Review status: criteria provided, single submitter. Criteria: Ambry Variant Classification Scheme 2023. Collection method: clinical testing. Allele origin: germline.
Comment: The p.M1275I variant (also known as c.3825G>A), located in coding exon 1 of the SAMD9L gene, results from a G to A substitution at nucleotide position 3825. The methionine at codon 1275 is replaced by isoleucine, an amino acid with highly similar properties. This amino acid position is conserved. In addition, this alteration is predicted to be tolerated by in silico analysis. Based on the available evidence, the clinical significance of this variant remains unclear.